The following is an entry in ClinVar:

NM_015378.4(VPS13D):c.5362A>C (p.Asn1788His)

Gene: VPS13D (vacuolar protein sorting 13 homolog D; plus strand). Cytogenetic location: 1p36.22.
Variant type: single nucleotide variant.
Coding change: c.5362A>C on transcript NM_015378.4 (MANE Select); coding-DNA position 5362, A replaced by C.
Protein change: p.Asn1788His; replaces asparagine 1788 with histidine.
Molecular consequence: missense variant.
Genome position (GRCh38, 1-based): chr1:12,283,464, A>C. VCF-style: chr1-12283464-A-C. GRCh37 (hg19) VCF-style: chr1-12343521-A-C.
Other names: c.5362A>C, p.Asn1788His (NM_018156.4); short protein forms N1788H.
Identifiers: ClinVar variation 2777572 (VCV002777572.2), dbSNP rs371282516, ClinGen allele CA602303.
Genomic context (GRCh38, chr1:12,283,464, plus strand): 5'-GTGGATGAGCCCAAGATACTTGTTGGAAAGAGTAAATTTGATGATTCCTTAGTCCACATC[A>C]ACATATTCTTGGTAGATAAGAAACATCCAGAATTCTCTTCCAGTTACAATCGAGTTAACC-3'
Protein context (NP_056193.2, residues 1778-1798): SKFDDSLVHI[Asn1788His]IFLVDKKHPE

ClinVar aggregate classification (germline): Uncertain significance (1 of 4 stars; one submission).

Allele frequency attached by ClinVar (database versions not stated): gnomAD exomes below 0.00001; ExAC 0.00002; TOPMed 0.00002; gnomAD 0.00004; ESP Exome Variant Server 0.00008.
gnomAD v4.1: 7 of 1,614,116 alleles (0.00043%); highest among the groups gnomAD compares: African/African-American, 0.0093%; no homozygotes.

Submission:

Labcorp Genetics (formerly Invitae), Labcorp
Classification: Uncertain significance. Last evaluated: 2023-09-04. Review status: criteria provided, single submitter. Criteria: Invitae Variant Classification Sherloc (09022015). Collection method: clinical testing. Allele origin: germline.
Comment: In summary, the available evidence is currently insufficient to determine the role of this variant in disease. Therefore, it has been classified as a Variant of Uncertain Significance. Advanced modeling of protein sequence and biophysical properties (such as structural, functional, and spatial information, amino acid conservation, physicochemical variation, residue mobility, and thermodynamic stability) performed at Invitae indicates that this missense variant is expected to disrupt VPS13D protein function. This variant has not been reported in the literature in individuals affected with VPS13D-related conditions. This variant is present in population databases (rs371282516, gnomAD 0.01%). This sequence change replaces asparagine, which is neutral and polar, with histidine, which is basic and polar, at codon 1788 of the VPS13D protein (p.Asn1788His).